The following is an entry in ClinVar:

ClinVar aggregate classification (germline): Uncertain significance (1 of 4 stars; one submission).

Conditions:
Cardiovascular phenotype. Identifiers: MedGen CN230736.

gnomAD v4.1: 2 of 1,614,162 alleles (0.00012%); highest among the groups gnomAD compares: Non-Finnish European, 0.00017%; no homozygotes.

Submission:

Ambry Genetics
Classification: Uncertain significance for Cardiovascular phenotype. Last evaluated: 2026-05-24. Review status: criteria provided, single submitter. Criteria: Ambry Variant Classification Scheme 2023. Collection method: clinical testing. Allele origin: germline.
Comment: The p.V177A variant (also known as c.530T>C), located in coding exon 5 of the ABCA1 gene, results from a T to C substitution at nucleotide position 530. The valine at codon 177 is replaced by alanine, an amino acid with similar properties. This amino acid position is conserved. In addition, the in silico prediction for this alteration is inconclusive. Based on the available evidence, the clinical significance of this variant remains unclear.

NM_005502.4(ABCA1):c.530T>C (p.Val177Ala)

Gene: ABCA1 (ATP binding cassette subfamily A member 1; minus strand). Cytogenetic location: 9q31.1.
Variant type: single nucleotide variant.
Coding change: c.530T>C on transcript NM_005502.4 (MANE Select); coding-DNA position 530, T replaced by C.
Protein change: p.Val177Ala; replaces valine 177 with alanine.
Molecular consequence: missense variant.
Genome position (GRCh38, 1-based): chr9:104,861,692, A>G on the plus strand (T>C on the coding strand, the complement: ABCA1 is on the minus strand). VCF-style: chr9-104861692-A-G. GRCh37 (hg19) VCF-style: chr9-107623973-A-G.
Other names: short protein forms V177A.
Identifiers: ClinVar variation 4868920 (VCV004868920.1).
Genomic context (GRCh38, chr9:104,861,692, plus strand): 5'-CGTAATTGCCATCAGCCCTACTGAGGAAGCTGGAGGCATCAGCTTACCTTGTGGAGAATG[A>G]CATCAGCCCTCAGCATCTTGTCCACAGTAGACTTTGGGAGAGAGAGGTTGTGATACAGGA-3'
Protein context (NP_005493.2, residues 167-187): STVDKMLRAD[Val177Ala]ILHKVFLQGY